The following is an entry in ClinVar:

ClinVar aggregate classification (germline): Uncertain significance (1 of 4 stars; one submission).

Submission:

Ambry Genetics
Classification: Uncertain significance. Last evaluated: 2023-11-10. Review status: criteria provided, single submitter. Criteria: Ambry Variant Classification Scheme 2023. Collection method: clinical testing. Allele origin: germline.
Comment: The p.E1245A variant (also known as c.3734A>C), located in coding exon 16 of the POLQ gene, results from an A to C substitution at nucleotide position 3734. The glutamic acid at codon 1245 is replaced by alanine, an amino acid with dissimilar properties. This amino acid position is conserved. In addition, this alteration is predicted to be tolerated by in silico analysis. Since supporting evidence is limited at this time, the clinical significance of this alteration remains unclear.

NM_199420.4(POLQ):c.3734A>C (p.Glu1245Ala)

Gene: POLQ (DNA polymerase theta; minus strand). Cytogenetic location: 3q13.33.
Variant type: single nucleotide variant.
Coding change: c.3734A>C on transcript NM_199420.4 (MANE Select); coding-DNA position 3734, A replaced by C.
Protein change: p.Glu1245Ala; replaces glutamic acid 1245 with alanine.
Molecular consequence: missense variant.
Genome position (GRCh38, 1-based): chr3:121,489,197, T>G on the plus strand (A>C on the coding strand, the complement: POLQ is on the minus strand). VCF-style: chr3-121489197-T-G. GRCh37 (hg19) VCF-style: chr3-121208044-T-G.
Other names: short protein forms E1245A.
Identifiers: ClinVar variation 3229960 (VCV003229960.1), dbSNP rs2546787015, ClinGen allele CA354097656.
Genomic context (GRCh38, chr3:121,489,197, plus strand): 5'-GGTATCACAGTTCTGCTTATATCATCTCCTAATGCCTGAAAATGACTTGGTTTATTTTCC[T>G]CTGTATTAAGCTTTATCCTTTCACAATTGATAGTAACATTTGAGTCTCTATTTATGTAAC-3'
Protein context (NP_955452.3, residues 1235-1255): INCERIKLNT[Glu1245Ala]ENKPSHFQAL